The following is an entry in ClinVar:

ClinVar aggregate classification (germline): Benign/Likely benign. Review status: criteria provided, multiple submitters, no conflicts (2 of 4 stars). 4 submissions from 4 submitters: Benign (3); Likely benign (1). Last evaluated 2026-02-01.

Conditions:
Cataract 14 multiple types. Also called: CATARACT 14, NUCLEAR PULVERULENT; CATARACT 14, NUCLEAR PULVERULENT AND POSTERIOR POLAR; CATARACT 14, NUCLEAR CORALLIFORM; CATARACT 14, EMBRYONAL NUCLEAR; CATARACT 14, COPPOCK-LIKE; CATARACT 14, ZONULAR PULVERULENT. Identifiers: Orphanet 91492, MedGen C1866078, MONDO:0011162, OMIM 601885.

Allele frequency attached by ClinVar (database versions not stated): ExAC 0.00198; 1000 Genomes Project 30x 0.00047; 1000 Genomes Project 0.00060; TOPMed 0.00084; gnomAD exomes 0.00132.
gnomAD v4.1: 1,345 of 1,550,184 alleles (0.087%); highest among the groups gnomAD compares: Middle Eastern, 0.98%; 3 homozygotes.

Submissions (4):

CeGaT Center for Human Genetics Tuebingen
Classification: Likely benign. Last evaluated: 2026-02-01. Review status: criteria provided, single submitter. Criteria: CeGaT Center For Human Genetics Tuebingen Variant Classification Criteria Version 2. Collection method: clinical testing. Allele origin: germline. Affected: yes. Observed: 1 variant allele.
Comment: GJA3: BP4, BS1

Labcorp Genetics (formerly Invitae), Labcorp
Classification: Benign for Cataract 14 multiple types. Last evaluated: 2025-12-24. Review status: criteria provided, single submitter. Criteria: Invitae Variant Classification Sherloc (09022015). Collection method: clinical testing. Allele origin: germline.

Illumina Laboratory Services, Illumina
Classification: Benign for Cataract 14 multiple types. Last evaluated: 2018-01-13. Review status: criteria provided, single submitter. Criteria: ICSL Variant Classification Criteria 13 December 2019. Collection method: clinical testing. Allele origin: germline.
Comment: This variant was observed in the ICSL laboratory as part of a predisposition screen in an ostensibly healthy population. It had not been previously curated by ICSL or reported in the Human Gene Mutation Database (HGMD: prior to June 1st, 2018), and was therefore a candidate for classification through an automated scoring system. Utilizing variant allele frequency, disease prevalence and penetrance estimates, and inheritance mode, an automated score was calculated to assess if this variant is too frequent to cause the disease. Based on the score and internal cut-off values, a variant classified as benign is not then subjected to further curation. The score for this variant resulted in a classification of benign for this disease.

Breakthrough Genomics
Classification: Benign. Review status: criteria provided, single submitter. Criteria: ACMG Guidelines, 2015. Collection method: not provided. Allele origin: germline. Inheritance: Autosomal dominant inheritance. Affected: yes.

NM_021954.4(GJA3):c.1234G>A (p.Gly412Arg)

Gene: GJA3 (gap junction protein alpha 3; minus strand). Cytogenetic location: 13q12.11.
Variant type: single nucleotide variant.
Coding change: c.1234G>A on transcript NM_021954.4 (MANE Select); coding-DNA position 1234, G replaced by A.
Protein change: p.Gly412Arg; replaces glycine 412 with arginine.
Molecular consequence: missense variant.
Genome position (GRCh38, 1-based): chr13:20,142,055, C>T on the plus strand (G>A on the coding strand, the complement: GJA3 is on the minus strand). VCF-style: chr13-20142055-C-T. GRCh37 (hg19) VCF-style: chr13-20716194-C-T.
Other names: short protein forms G412R.
Identifiers: ClinVar variation 311332 (VCV000311332.18), dbSNP rs201955819, ClinGen allele CA6903979.